The following is an entry in ClinVar:

NM_006096.4(NDRG1):c.944-13C>T

Gene: NDRG1 (N-myc downstream regulated 1; minus strand). Cytogenetic location: 8q24.22.
Variant type: single nucleotide variant.
Coding change: c.944-13C>T on transcript NM_006096.4 (MANE Select); 13 bases into the intron before coding-DNA position 944, C replaced by T.
Molecular consequence: intron variant.
Genome position (GRCh38, 1-based): chr8:133,239,132, G>A on the plus strand (C>T on the coding strand, the complement: NDRG1 is on the minus strand). VCF-style: chr8-133239132-G-A. GRCh37 (hg19) VCF-style: chr8-134251375-G-A.
Other names: c.746-13C>T (NM_001258432.2, NM_001374847.1); c.701-13C>T (NM_001258433.2); c.995-13C>T (NM_001374844.1); c.944-13C>T (NM_001135242.2, NM_001374845.1, NM_001374846.1).
Identifiers: ClinVar variation 507023 (VCV000507023.14), dbSNP rs753312340, ClinGen allele CA4886457.

ClinVar aggregate classification (germline): Conflicting classifications of pathogenicity. Review status: criteria provided, conflicting classifications (1 of 4 stars). 5 submissions from 5 submitters: Uncertain significance (1); Likely benign (4). Last evaluated 2026-01-14.

Conditions:
Charcot-Marie-Tooth disease type 4. Also called: Charcot-Marie-Tooth disease, type IV; Charcot-Marie-Tooth, Type 4. Identifiers: Orphanet 64749, MedGen C4082197, MONDO:0018995.
Charcot-Marie-Tooth disease type 4D. Also called: CHARCOT-MARIE-TOOTH DISEASE, DEMYELINATING, AUTOSOMAL RECESSIVE, TYPE 4D; Charcot-Marie-Tooth Neuropathy Type 4D; CHARCOT-MARIE-TOOTH DISEASE, DEMYELINATING, TYPE 4D; NEUROPATHY, HEREDITARY MOTOR AND SENSORY, LOM TYPE. Identifiers: Orphanet 99950, MedGen C1832334, MONDO:0011085, OMIM 601455.
Charcot-Marie-Tooth disease. Also called: Charcot-Marie-Tooth Neuropathy; Charcot-Marie-Tooth Hereditary Neuropathy. Identifiers: Orphanet 166, MedGen C0007959, MONDO:0015626.

Allele frequency attached by ClinVar (database versions not stated): gnomAD exomes 0.00030 and 0.00033; TOPMed 0.00032; gnomAD 0.00038 and 0.00039; ExAC 0.00053.
gnomAD v4.1: 512 of 1,552,112 alleles (0.033%); highest among the groups gnomAD compares: Non-Finnish European, 0.04%; no homozygotes.

Submissions (5):

Labcorp Genetics (formerly Invitae), Labcorp
Classification: Likely benign for Charcot-Marie-Tooth disease type 4. Last evaluated: 2026-01-14. Review status: criteria provided, single submitter. Criteria: Invitae Variant Classification Sherloc (09022015). Collection method: clinical testing. Allele origin: germline.

Blueprint Genetics
Classification: Likely benign. Last evaluated: 2024-11-08. Review status: criteria provided, single submitter. Criteria: ACMG Guidelines, 2015. Collection method: clinical testing. Allele origin: germline.

Illumina Laboratory Services, Illumina
Classification: Uncertain significance for Charcot-Marie-Tooth disease type 4D. Last evaluated: 2018-01-13. Review status: criteria provided, single submitter. Criteria: ICSL Variant Classification Criteria 13 December 2019. Collection method: clinical testing. Allele origin: germline.

GeneDx
Classification: Likely benign. Last evaluated: 2017-12-26. Review status: criteria provided, single submitter. Criteria: GeneDx Variant Classification (06012015). Collection method: clinical testing. Allele origin: germline. Affected: yes.
Comment: This variant is considered likely benign or benign based on one or more of the following criteria: it is a conservative change, it occurs at a poorly conserved position in the protein, it is predicted to be benign by multiple in silico algorithms, and/or has population frequency not consistent with disease.

Molecular Genetics Laboratory, London Health Sciences Centre
Classification: Likely benign for Charcot-Marie-Tooth disease. Review status: criteria provided, single submitter. Criteria: ACMG Guidelines, 2015. Collection method: clinical testing. Allele origin: germline. Affected: yes.